The following is an entry in ClinVar:

NM_001009944.3(PKD1):c.8349_8364del (p.Gln2784fs)

Gene: PKD1 (polycystin 1, transient receptor potential channel interacting; minus strand). Cytogenetic location: 16p13.3.
Variant type: Deletion.
Coding change: c.8349_8364del on transcript NM_001009944.3 (MANE Select); coding-DNA positions 8349 to 8364, 16 bases deleted (CCAGGGCAAGCGCTCG).
Protein change: p.Gln2784fs; shifts the reading frame from glutamine 2784.
Molecular consequence: frameshift variant.
Genome position (GRCh38, 1-based): chr16:2,103,693-2,103,708, CGAGCGCTTGCCCTGG deleted on the plus strand (CCAGGGCAAGCGCTCG on the coding strand, the reverse complement: PKD1 is on the minus strand). VCF-style (leftmost placement, unchanged base first): chr16-2103692-CCGAGCGCTTGCCCTGG-C. GRCh37 (hg19) VCF-style: chr16-2153693-CCGAGCGCTTGCCCTGG-C.
Other names: c.8349_8364del, p.Gln2784fs (NM_000296.4); short protein forms Q2784fs.
Identifiers: ClinVar variation 4850025 (VCV004850025.1).
Genomic context (GRCh38, chr16:2,103,692, plus strand): 5'-GGATGGAGAAGTGGCAGCCAGGCCCTGGGGCGCCGCCATAGCACAGCAGGCTCCGCGGGT[CCGAGCGCTTGCCCTGG>C]GCCACGATCTCCTCGCCCGCCAGCGTCAGGGGCTCCTCGTTGAGCACGCGGGAGCGCATG-3'

ClinVar aggregate classification (germline): Likely pathogenic (1 of 4 stars; one submission).

Conditions:
Polycystic kidney disease, adult type (PKD1). Also called: POLYCYSTIC KIDNEY DISEASE, ADULT, TYPE I; Polycystic Kidney Disease 1, Autosomal Dominant; Polycystic kidney disease 1; Polycystic kidney disease 1, severe; POLYCYSTIC KIDNEY DISEASE 1 WITH OR WITHOUT POLYCYSTIC LIVER DISEASE; Polycystic Kidney, Autosomal Dominant. Identifiers: MedGen C3149841, MONDO:0008263, OMIM 173900.

Submission:

Variantyx, Inc.
Classification: Likely pathogenic for Polycystic kidney disease, adult type. Last evaluated: 2025-12-19. Review status: criteria provided, single submitter. Criteria: Variantyx Assertion Criteria 2022. Collection method: clinical testing. Allele origin: germline. Inheritance: Autosomal dominant inheritance. Affected: yes.
Comment: This is a frameshift variant in the PKD1 gene (OMIM: 601313). Pathogenic variants in this gene have been associated with autosomal dominant polycystic kidney disease 1. This variant introduces a premature termination codon in exon 23 out of 46 and is expected to result in loss of function, which is a known disease mechanism for PKD1 in this disorder (PMID: 22008521, 9199561, 38012624) (PVS1). This variant is absent from control populations (PM2). and it has not been reported in individuals with PKD1-related disorders in the databases available for review. Based on the current evidence, this variant is classified as likely pathogenic for autosomal dominant polycystic kidney disease 1.

Literature cited by the submitters: PubMed 22008521; PubMed 9199561; PubMed 38012624.